The following is an entry in ClinVar:

ClinVar aggregate classification (germline): Uncertain significance (1 of 4 stars; one submission).

Allele frequency attached by ClinVar (database versions not stated): TOPMed below 0.00001.

Submission:

Labcorp Genetics (formerly Invitae), Labcorp
Classification: Uncertain significance. Last evaluated: 2022-09-27. Review status: criteria provided, single submitter. Criteria: Invitae Variant Classification Sherloc (09022015). Collection method: clinical testing. Allele origin: germline.
Comment: In summary, the available evidence is currently insufficient to determine the role of this variant in disease. Therefore, it has been classified as a Variant of Uncertain Significance. Algorithms developed to predict the effect of missense changes on protein structure and function output the following: SIFT: "Tolerated"; PolyPhen-2: "Probably Damaging"; Align-GVGD: "Class C0". The threonine amino acid residue is found in multiple mammalian species, which suggests that this missense change does not adversely affect protein function. ClinVar contains an entry for this variant (Variation ID: 1391058). This variant has not been reported in the literature in individuals affected with WHRN-related conditions. This variant is not present in population databases (gnomAD no frequency). This sequence change replaces alanine, which is neutral and non-polar, with threonine, which is neutral and polar, at codon 3 of the WHRN protein (p.Ala3Thr).

NM_015404.4(WHRN):c.7G>A (p.Ala3Thr)

Gene: WHRN (whirlin; minus strand). Cytogenetic location: 9q32.
Variant type: single nucleotide variant.
Coding change: c.7G>A on transcript NM_015404.4 (MANE Select); coding-DNA position 7, G replaced by A.
Protein change: p.Ala3Thr; replaces alanine 3 with threonine.
Molecular consequence: missense variant.
Genome position (GRCh38, 1-based): chr9:114,504,795, C>T on the plus strand (G>A on the coding strand, the complement: WHRN is on the minus strand). VCF-style: chr9-114504795-C-T. GRCh37 (hg19) VCF-style: chr9-117267075-C-T.
Other names: c.7G>A, p.Ala3Thr (NM_001173425.2); short protein forms A3T.
Identifiers: ClinVar variation 1391058 (VCV001391058.8), dbSNP rs1844267552, ClinGen allele CA374614959.